The following is an entry in ClinVar:

ClinVar aggregate classification (germline): Likely benign (0 of 4 stars; one submission).

Conditions:
NCOR2-related disorder. Also called: NCOR2-related condition.

Allele frequency attached by ClinVar (database versions not stated): ExAC 0.00014; gnomAD 0.00015; TOPMed 0.00015; 1000 Genomes Project 30x 0.00016.
gnomAD v4.1: 164 of 1,588,498 alleles (0.01%); highest among the groups gnomAD compares: Middle Eastern, 0.05%; no homozygotes.

Submissions (2):

PreventionGenetics, part of Exact Sciences
Classification: Likely benign for NCOR2-related condition. Last evaluated: 2020-01-03. Review status: no assertion criteria provided. Collection method: clinical testing. Allele origin: germline.
Comment: This variant is classified as likely benign based on ACMG/AMP sequence variant interpretation guidelines (Richards et al. 2015 PMID: 25741868, with internal and published modifications).

Dr. Peter K. Rogan Lab, Western University
No classification provided (evidence only). Condition: Familial cancer of breast. Review status: no classification provided. Collection method: in vitro. Allele origin: not applicable. Functional consequence: retained intron. Not counted in ClinVar's aggregate classification.

NM_006312.6(NCOR2):c.2796C>T (p.Gly932=)

Gene: NCOR2 (nuclear receptor corepressor 2; minus strand). Cytogenetic location: 12q24.31.
Variant type: single nucleotide variant.
Coding change: c.2796C>T on transcript NM_006312.6 (MANE Select); coding-DNA position 2796, C replaced by T.
Protein change: p.Gly932=; no amino-acid change (glycine 932 retained).
Molecular consequence: synonymous variant.
Genome position (GRCh38, 1-based): chr12:124,372,033, G>A on the plus strand (C>T on the coding strand, the complement: NCOR2 is on the minus strand). VCF-style: chr12-124372033-G-A. GRCh37 (hg19) VCF-style: chr12-124856579-G-A.
Other names: NC_000012.11:g.124856579G>A; c.2742C>T, p.Gly914= (NM_001077261.4, NM_001206654.2).
Identifiers: ClinVar variation 3042831 (VCV003042831.3), dbSNP rs759359540, ClinGen allele CA6868952.